The following is an entry in ClinVar:

ClinVar aggregate classification (germline): Likely pathogenic (1 of 4 stars; one submission).

Submission:

GeneDx
Classification: Likely pathogenic. Last evaluated: 2026-04-13. Review status: criteria provided, single submitter. Criteria: GeneDx Variant Classification Process June 2021. Collection method: clinical testing. Allele origin: germline.
Comment: Not observed at significant frequency in large population cohorts (gnomAD); In silico analysis supports that this missense variant has a deleterious effect on protein structure/function; Has not been previously published as pathogenic or benign to our knowledge

NM_003482.4(KMT2D):c.10606C>T (p.Arg3536Cys)

Gene: KMT2D (lysine methyltransferase 2D; minus strand). Cytogenetic location: 12q13.12.
Variant type: single nucleotide variant.
Coding change: c.10606C>T on transcript NM_003482.4 (MANE Select); coding-DNA position 10606, C replaced by T.
Protein change: p.Arg3536Cys; replaces arginine 3536 with cysteine.
Molecular consequence: missense variant.
Genome position (GRCh38, 1-based): chr12:49,034,201, G>A on the plus strand (C>T on the coding strand, the complement: KMT2D is on the minus strand). VCF-style: chr12-49034201-G-A. GRCh37 (hg19) VCF-style: chr12-49427984-G-A.
Other names: short protein forms R3536C.
Identifiers: ClinVar variation 3900191 (VCV003900191.2).